The following is an entry in ClinVar:

NM_000760.4(CSF3R):c.911C>G (p.Thr304Ser)

Gene: CSF3R (colony stimulating factor 3 receptor; minus strand). Cytogenetic location: 1p34.3.
Variant type: single nucleotide variant.
Coding change: c.911C>G on transcript NM_000760.4 (MANE Select); coding-DNA position 911, C replaced by G.
Protein change: p.Thr304Ser; replaces threonine 304 with serine.
Molecular consequence: missense variant.
Genome position (GRCh38, 1-based): chr1:36,472,324, G>C on the plus strand (C>G on the coding strand, the complement: CSF3R is on the minus strand). VCF-style: chr1-36472324-G-C. GRCh37 (hg19) VCF-style: chr1-36937925-G-C.
Other names: c.911C>G, p.Thr304Ser (NM_156039.3, NM_172313.3); short protein forms T304S.
Identifiers: ClinVar variation 1034533 (VCV001034533.6), dbSNP rs201991840, ClinGen allele CA769349.
Genomic context (GRCh38, chr1:36,472,324, plus strand): 5'-CTGGGGCTCCAGTCGCTCCAGTGGCCAGGCAGGGGCCAGCGGATGCAGCGTATCTGCAGG[G>C]TGTAGGCCGTGGCTGGGAGGAGCCCGCAGAGCTCATACTGAAGGGCCTCCAAGGGGAGGG-3'
Protein context (NP_000751.1, residues 294-314): LCGLLPATAY[Thr304Ser]LQIRCIRWPL

ClinVar aggregate classification (germline): Uncertain significance (1 of 4 stars; one submission).

Conditions:
Autosomal recessive severe congenital neutropenia due to CSF3R deficiency. Also called: Neutropenia, severe congenital, 7, autosomal recessive. Identifiers: Orphanet 420702, MedGen C4310764, MONDO:0014865, OMIM 617014.

Allele frequency attached by ClinVar (database versions not stated): TOPMed 0.00009; ExAC 0.00011.
gnomAD v4.1: 51 of 1,614,096 alleles (0.0032%); highest among the groups gnomAD compares: East Asian, 0.078%; no homozygotes.

Submission:

Labcorp Genetics (formerly Invitae), Labcorp
Classification: Uncertain significance for Autosomal recessive severe congenital neutropenia due to CSF3R deficiency. Last evaluated: 2025-11-20. Review status: criteria provided, single submitter. Criteria: Invitae Variant Classification Sherloc (09022015). Collection method: clinical testing. Allele origin: germline.
Comment: This sequence change replaces threonine, which is neutral and polar, with serine, which is neutral and polar, at codon 304 of the CSF3R protein (p.Thr304Ser). This variant is present in population databases (rs201991840, gnomAD 0.2%). This variant has not been reported in the literature in individuals affected with CSF3R-related conditions. ClinVar contains an entry for this variant (Variation ID: 1034533). Invitae Evidence Modeling of protein sequence and biophysical properties (such as structural, functional, and spatial information, amino acid conservation, physicochemical variation, residue mobility, and thermodynamic stability) indicates that this missense variant is not expected to disrupt CSF3R protein function with a negative predictive value of 80%. In summary, the available evidence is currently insufficient to determine the role of this variant in disease. Therefore, it has been classified as a Variant of Uncertain Significance.